The following is an entry in ClinVar:

ClinVar aggregate classification (germline): Uncertain significance. Review status: criteria provided, multiple submitters, no conflicts (2 of 4 stars). 4 submissions from 4 submitters: Uncertain significance (4). Last evaluated 2023-12-09.

Conditions:
Primary ciliary dyskinesia. Also called: Ciliary dyskinesia. Identifiers: Orphanet 244, MedGen C0008780, MONDO:0016575, HP:0012265.

Allele frequency attached by ClinVar (database versions not stated): gnomAD exomes 0.00001; gnomAD 0.00002; TOPMed 0.00002.

Submissions (4):

Ambry Genetics
Classification: Uncertain significance for Primary ciliary dyskinesia. Last evaluated: 2023-12-09. Review status: criteria provided, single submitter. Criteria: Ambry Variant Classification Scheme 2023. Collection method: clinical testing. Allele origin: germline.

Labcorp Genetics (formerly Invitae), Labcorp
Classification: Uncertain significance for Primary ciliary dyskinesia. Last evaluated: 2021-09-24. Review status: criteria provided, single submitter. Criteria: Invitae Variant Classification Sherloc (09022015). Collection method: clinical testing. Allele origin: germline.
Comment: This sequence change replaces arginine with histidine at codon 261 of the DNAAF3 protein (p.Arg261His). The arginine residue is highly conserved and there is a small physicochemical difference between arginine and histidine. The frequency data for this variant in the population databases is considered unreliable, as metrics indicate insufficient coverage at this position in the ExAC database. This variant has not been reported in the literature in individuals with DNAAF3-related conditions. Algorithms developed to predict the effect of missense changes on protein structure and function are either unavailable or do not agree on the potential impact of this missense change (SIFT: "Deleterious"; PolyPhen-2: "Probably Damaging"; Align-GVGD: "Class C0"). In summary, the available evidence is currently insufficient to determine the role of this variant in disease. Therefore, it has been classified as a Variant of Uncertain Significance.

Blueprint Genetics
Classification: Uncertain significance. Last evaluated: 2021-06-11. Review status: criteria provided, single submitter. Criteria: ACMG Guidelines, 2015. Collection method: clinical testing. Allele origin: germline.

Breakthrough Genomics
Classification: Uncertain significance. Review status: criteria provided, single submitter. Criteria: ACMG Guidelines, 2015. Collection method: not provided. Allele origin: germline. Inheritance: Autosomal dominant inheritance. Affected: yes.

NM_001256715.2(DNAAF3):c.578G>A (p.Arg193His)

Genes: DNAAF3 (dynein axonemal assembly factor 3; minus strand), DNAAF3-AS1 (DNAAF3 antisense RNA 1; plus strand). Cytogenetic location: 19q13.42.
Variant type: single nucleotide variant.
Coding change: c.578G>A on transcript NM_001256715.2 (MANE Select); coding-DNA position 578, G replaced by A.
Protein change: p.Arg193His; replaces arginine 193 with histidine.
Molecular consequence: missense variant.
Genome position (GRCh38, 1-based): chr19:55,161,728, C>T on the plus strand (G>A on the coding strand, the complement: DNAAF3 is on the minus strand). VCF-style: chr19-55161728-C-T. GRCh37 (hg19) VCF-style: chr19-55673096-C-T.
Other names: c.782G>A, p.Arg261His (NM_001256714.1); c.416G>A, p.Arg139His (NM_001256716.2); c.719G>A, p.Arg240His (NM_178837.4); short protein forms R193H, R240H, R139H, R261H.
Identifiers: ClinVar variation 1359976 (VCV001359976.8), dbSNP rs983176695, ClinGen allele CA310153944.
Genomic context (GRCh38, chr19:55,161,728, plus strand): 5'-AGGTCCCAGTCGCTGACACCGCGCCGGGCGTCGTAGCGGGAGCCCAGGTAGTGGCGCAGG[C>T]GCGAGTCCCAGAGGCGGCTCATGGGGAACGCCTGGGGCCCTTTCTCGCCGCCAGCCCAGA-3'
Protein context (NP_001243644.1, residues 183-203): AFPMSRLWDS[Arg193His]LRHYLGSRYD